The following is an entry in ClinVar:

NM_015057.5(MYCBP2):c.11914C>T (p.His3972Tyr)

Gene: MYCBP2 (MYC binding protein 2; minus strand). Cytogenetic location: 13q22.3.
Variant type: single nucleotide variant.
Coding change: c.11914C>T on transcript NM_015057.5 (MANE Select); coding-DNA position 11914, C replaced by T.
Protein change: p.His3972Tyr; replaces histidine 3972 with tyrosine.
Molecular consequence: missense variant.
Genome position (GRCh38, 1-based): chr13:77,068,822, G>A on the plus strand (C>T on the coding strand, the complement: MYCBP2 is on the minus strand). VCF-style: chr13-77068822-G-A. GRCh37 (hg19) VCF-style: chr13-77642957-G-A.
Other names: short protein forms H3972Y.
Identifiers: ClinVar variation 4854901 (VCV004854901.1).

ClinVar aggregate classification (germline): Uncertain significance (1 of 4 stars; one submission).

Conditions:
MYCBP2-related disorder. Also called: MYCBP2-related condition.

Submission:

3billion
Classification: Uncertain significance for MYCBP2-related disorder. Last evaluated: 2026-01-27. Review status: criteria provided, single submitter. Criteria: ACMG Guidelines, 2015. Collection method: clinical testing. Allele origin: germline. Affected: yes.
Comment: The variant is not observed in the gnomAD v4.1.0 dataset. Predicted Consequence/Location: Missense variant. Missense changes are a common disease-causing mechanism. Damaging effect on gene or gene product predicted by in silico programs is uncertain [REVEL: 0.54 (damaging >=0.6, benign <0.4)]. A different missense change at the same codon (p.His3972Pro) has been reported to be associated with MYCBP2-related disorder (PMID: 33875846). However the evidence of pathogenicity is insufficient at this time. Therefore, this variant is classified as VUS according to the recommendation of ACMG/AMP guideline.

Literature cited by the submitters: PubMed 33875846.